The following is an entry in ClinVar:

ClinVar aggregate classification (germline): Likely benign (1 of 4 stars; one submission).

Conditions:
Growth delay due to insulin-like growth factor I resistance. Also called: Insulin-Like Growth Factor I Resistance; Somatomedin end-organ insensitivity to; Somatomedin-c resistance to; IGF-1 resistance; IGF-I RESISTANCE. Identifiers: Orphanet 73273, MedGen C1849157, MONDO:0010038, OMIM 270450.

Allele frequency attached by ClinVar (database versions not stated): gnomAD exomes 0.00015; gnomAD 0.00111 and 0.00116; TOPMed 0.00128; 1000 Genomes Project 30x 0.00187; 1000 Genomes Project 0.00220.
gnomAD v4.1: 196 of 349,682 alleles (0.056%); highest among the groups gnomAD compares: African/African-American, 0.38%; no homozygotes.

Submission:

Illumina Laboratory Services, Illumina
Classification: Likely benign for Growth delay due to insulin-like growth factor I resistance. Last evaluated: 2018-01-12. Review status: criteria provided, single submitter. Criteria: ICSL Variant Classification Criteria 13 December 2019. Collection method: clinical testing. Allele origin: germline.
Comment: This variant was observed in the ICSL laboratory as part of a predisposition screen in an ostensibly healthy population. It had not been previously curated by ICSL or reported in the Human Gene Mutation Database (HGMD: prior to June 1st, 2018), and was therefore a candidate for classification through an automated scoring system. Utilizing variant allele frequency, disease prevalence and penetrance estimates, and inheritance mode, an automated score was calculated to assess if this variant is too frequent to cause the disease. Based on the score and internal cut-off values, a variant classified as likely benign is not then subjected to further curation. The score for this variant resulted in a classification of likely benign for this disease.

NM_000875.5(IGF1R):c.*352G>A

Gene: IGF1R (insulin like growth factor 1 receptor; plus strand). Cytogenetic location: 15q26.3.
Variant type: single nucleotide variant.
Coding change: c.*352G>A on transcript NM_000875.5 (MANE Select); 352 bases downstream of the stop codon, G replaced by A.
Molecular consequence: 3 prime UTR variant.
Genome position (GRCh38, 1-based): chr15:98,957,794, G>A. VCF-style: chr15-98957794-G-A. GRCh37 (hg19) VCF-style: chr15-99501023-G-A.
Other names: c.*352G>A (NM_001291858.2).
Identifiers: ClinVar variation 884911 (VCV000884911.4), dbSNP rs183939661, ClinGen allele CA275333629.